The following is an entry in ClinVar:

NM_001009944.3(PKD1):c.3696CGC[1] (p.Ala1234del)

Gene: PKD1 (polycystin 1, transient receptor potential channel interacting; minus strand). Cytogenetic location: 16p13.3.
Variant type: Microsatellite.
Coding change: c.3696CGC[1] on transcript NM_001009944.3 (MANE Select); one copy of the 3-base unit CGC starting at c.3696; the reference has two copies in a row; one copy, 3 bases deleted.
Protein change: p.Ala1234del; deletes alanine 1234.
Molecular consequence: inframe deletion.
Genome position (GRCh38, 1-based): chr16:2,111,466-2,111,468, GCG deleted on the plus strand (CGC on the coding strand, the reverse complement: PKD1 is on the minus strand); deleting any 3 consecutive bases within chr16:2,111,466-2,111,471 gives the same sequence; the position shown is the placement nearest the transcript's 3' end. VCF-style (leftmost placement, unchanged base first): chr16-2111465-CGCG-C. GRCh37 (hg19) VCF-style: chr16-2161466-CGCG-C.
Other names: c.3696CGC[1], p.Ala1234del (NM_000296.4); c.3697_3699del (NM_001009944.3); c.3697_3699delGCC (NM_001009944.3); short protein forms A1234del.
Identifiers: ClinVar variation 873346 (VCV000873346.2), dbSNP rs2092503169, ClinGen allele CA1139664350.

ClinVar aggregate classification (germline): Likely pathogenic. Review status: criteria provided, single submitter (1 of 4 stars). 2 submissions from 1 submitter: Likely pathogenic (2). Last evaluated 2020-05-28.

Conditions:
Polycystic kidney disease. Also called: Polycystic kidney dysplasia; Kidney, Polycystic. Identifiers: MedGen C0022680, MeSH D007690, MONDO:0020642, HP:0000113.
Polycystic kidney disease, adult type (PKD1). Also called: POLYCYSTIC KIDNEY DISEASE, ADULT, TYPE I; Polycystic Kidney Disease 1, Autosomal Dominant; Polycystic kidney disease 1; Polycystic kidney disease 1, severe; Polycystic Kidney, Autosomal Dominant; POLYCYSTIC KIDNEY DISEASE 1 WITH OR WITHOUT POLYCYSTIC LIVER DISEASE. Identifiers: MedGen C3149841, MONDO:0008263, OMIM 173900.

Submissions (2):

Cavalleri Lab, Royal College of Surgeons in Ireland
Classification: Likely pathogenic for Polycystic kidney disease. Last evaluated: 2020-05-28. Review status: criteria provided, single submitter. Criteria: ACMG Guidelines, 2015. Collection method: research. Allele origin: unknown. Inheritance: Autosomal dominant inheritance. Affected: yes. Observed: 1 variant allele.
Comment: PM1, PM2, PM4, PP4

Cavalleri Lab, Royal College of Surgeons in Ireland
Classification: Likely pathogenic for Polycystic kidney disease, adult type. Last evaluated: 2020-02-05. Review status: criteria provided, single submitter. Criteria: ACMG Guidelines, 2015. Collection method: research. Allele origin: unknown. Inheritance: Autosomal dominant inheritance. Affected: yes.
Comment: the same text as in the submission from Cavalleri Lab, Royal College of Surgeons in Ireland above.